The following is an entry in ClinVar:

NM_000166.6(GJB1):c.394_399del (p.Trp132_Trp133del)

Gene: GJB1 (gap junction protein beta 1; plus strand). Cytogenetic location: Xq13.1.
Variant type: Deletion.
Coding change: c.394_399del on transcript NM_000166.6 (MANE Select); coding-DNA positions 394 to 399, 6 bases deleted (TGGTGG; older notation c.394_399delTGGTGG).
Protein change: p.Trp132_Trp133del.
Genome position (GRCh38, 1-based): chrX:71,224,101-71,224,106, TGGTGG deleted; deleting any 6 consecutive bases within chrX:71,224,100-71,224,106 gives the same sequence; the c. name uses the placement nearest the transcript's 3' end. VCF-style (leftmost placement, unchanged base first): chrX-71224099-TGTGGTG-T. GRCh37 (hg19) VCF-style: chrX-70443949-TGTGGTG-T.
Other names: c.394_399del, p.Trp132_Trp133del (NM_001097642.3, NM_001440770.1).
Identifiers: ClinVar variation 4809104 (VCV004809104.1).

ClinVar aggregate classification (germline): Pathogenic (1 of 4 stars; one submission).

Conditions:
Charcot-Marie-Tooth Neuropathy X. Identifiers: MedGen CN118851.

Submission:

Labcorp Genetics (formerly Invitae), Labcorp
Classification: Pathogenic for Charcot-Marie-Tooth Neuropathy X. Last evaluated: 2025-05-27. Review status: criteria provided, single submitter. Criteria: Invitae Variant Classification Sherloc (09022015). Collection method: clinical testing. Allele origin: germline.
Comment: This variant, c.394_399del, results in the deletion of 2 amino acid(s) of the GJB1 protein (p.Trp132_Trp133del), but otherwise preserves the integrity of the reading frame. This variant is not present in population databases (gnomAD no frequency). This variant has not been reported in the literature in individuals affected with GJB1-related conditions. This variant disrupts a region of the GJB1 protein in which other variant(s) (p.Trp132Arg) have been determined to be pathogenic (PMID: 21291455). This suggests that this is a clinically significant region of the protein, and that variants that disrupt it are likely to be disease-causing. For these reasons, this variant has been classified as Pathogenic.

Literature cited by the submitters: PubMed 21291455.